The following is an entry in ClinVar:

ClinVar aggregate classification (germline): Uncertain significance (1 of 4 stars; one submission).

Conditions:
Joubert syndrome. Also called: CEREBELLOPARENCHYMAL DISORDER IV; JOUBERT-BOLTSHAUSER SYNDROME; Familial aplasia of the vermis. Identifiers: Orphanet 475, MedGen C5979921, MONDO:0018772.

Allele frequency attached by ClinVar (database versions not stated): gnomAD exomes 0.00001; ExAC 0.00004.
gnomAD v4.1: 8 of 1,566,406 alleles (0.00051%); highest among the groups gnomAD compares: Admixed American, 0.015%; no homozygotes.

Submission:

Labcorp Genetics (formerly Invitae), Labcorp
Classification: Uncertain significance for Joubert syndrome. Last evaluated: 2022-09-01. Review status: criteria provided, single submitter. Criteria: Invitae Variant Classification Sherloc (09022015). Collection method: clinical testing. Allele origin: germline.
Comment: This sequence change replaces threonine, which is neutral and polar, with alanine, which is neutral and non-polar, at codon 304 of the AHI1 protein (p.Thr304Ala). The frequency data for this variant in the population databases is considered unreliable, as metrics indicate poor data quality at this position in the gnomAD database. This variant has not been reported in the literature in individuals affected with AHI1-related conditions. Advanced modeling of protein sequence and biophysical properties (such as structural, functional, and spatial information, amino acid conservation, physicochemical variation, residue mobility, and thermodynamic stability) performed at Invitae indicates that this missense variant is not expected to disrupt AHI1 protein function. In summary, the available evidence is currently insufficient to determine the role of this variant in disease. Therefore, it has been classified as a Variant of Uncertain Significance.

NM_001134831.2(AHI1):c.910A>G (p.Thr304Ala)

Gene: AHI1 (Abelson helper integration site 1; minus strand). Cytogenetic location: 6q23.3.
Variant type: single nucleotide variant.
Coding change: c.910A>G on transcript NM_001134831.2 (MANE Select); coding-DNA position 910, A replaced by G.
Protein change: p.Thr304Ala; replaces threonine 304 with alanine.
Molecular consequence: missense variant.
Genome position (GRCh38, 1-based): chr6:135,463,146, T>C on the plus strand (A>G on the coding strand, the complement: AHI1 is on the minus strand). VCF-style: chr6-135463146-T-C. GRCh37 (hg19) VCF-style: chr6-135784284-T-C.
Other names: c.910A>G, p.Thr304Ala (NM_001134830.2, NM_001134832.2, NM_001350503.2 and 2 more transcripts); short protein forms T304A.
Identifiers: ClinVar variation 1959843 (VCV001959843.2), dbSNP rs749930727, ClinGen allele CA4012726.